The following is an entry in ClinVar:

ClinVar aggregate classification (germline): Pathogenic/Likely pathogenic. Review status: criteria provided, multiple submitters, no conflicts (2 of 4 stars). 5 submissions from 5 submitters: Pathogenic (2); Likely pathogenic (3). Last evaluated 2025-10-21.

Conditions:
Retinitis pigmentosa 28 (RP28). Identifiers: Orphanet 791, MedGen C1419614, MONDO:0011630, OMIM 606068.
Retinitis pigmentosa (RP). Identifiers: Orphanet 791, MedGen C0035334, MeSH D012174, MONDO:0019200, OMIM 268000. Inheritance: Autosomal dominant, autosomal recessive and X linked inheritance.

Submissions (5):

Labcorp Genetics (formerly Invitae), Labcorp
Classification: Pathogenic. Last evaluated: 2025-10-21. Review status: criteria provided, single submitter. Criteria: Invitae Variant Classification Sherloc (09022015). Collection method: clinical testing. Allele origin: germline.
Comment: This sequence change creates a premature translational stop signal (p.Ser568Thrfs*9) in the FAM161A gene. It is expected to result in an absent or disrupted protein product. Loss-of-function variants in FAM161A are known to be pathogenic (PMID: 20705278, 20705279, 24651477). This variant is not present in population databases (gnomAD no frequency). This variant has not been reported in the literature in individuals affected with FAM161A-related conditions. ClinVar contains an entry for this variant (Variation ID: 952865). For these reasons, this variant has been classified as Pathogenic.

Natera, Inc.
Classification: Likely pathogenic for Retinitis pigmentosa type 28. Last evaluated: 2025-04-28. Review status: criteria provided, single submitter. Criteria: Natera Variant Classification Schema (03/2026). Collection method: clinical testing. Allele origin: germline.
Comment: The c.1702_1703delTC variant in FAM161A is a frameshift variant predicted to shift the reading frame beginning at codon 568 and leads to a stop codon 9 codons downstream. This variant is expected to result in nonsense mediated decay, truncation, or a dysfunctional protein product. This variant is rare in the general population with a frequency below the threshold expected for the associated phenotype(s). Given the available evidence, this variant is classified as Likely Pathogenic.

Women's Health and Genetics/Laboratory Corporation of America, LabCorp
Classification: Pathogenic for Retinitis pigmentosa. Last evaluated: 2024-09-10. Review status: criteria provided, single submitter. Criteria: LabCorp Variant Classification Summary - May 2015. Collection method: clinical testing. Allele origin: germline.
Comment: Variant summary: FAM161A c.1702_1703delTC (p.Ser568ThrfsX9) results in a premature termination codon, predicted to cause a truncation of the encoded protein or absence of the protein due to nonsense mediated decay, which are commonly known mechanisms for disease. The variant was absent in 241266 control chromosomes. To our knowledge, no occurrence of c.1702_1703delTC in individuals affected with Retinitis Pigmentosa and no experimental evidence demonstrating its impact on protein function have been reported. ClinVar contains an entry for this variant (Variation ID: 952865). Based on the evidence outlined above, the variant was classified as pathogenic.

Fulgent Genetics
Classification: Likely pathogenic for Retinitis pigmentosa 28. Last evaluated: 2024-04-17. Review status: criteria provided, single submitter. Criteria: ACMG Guidelines, 2015. Collection method: clinical testing. Allele origin: germline.

Baylor Genetics
Classification: Likely pathogenic for Retinitis pigmentosa 28. Last evaluated: 2024-02-29. Review status: criteria provided, single submitter. Criteria: ACMG Guidelines, 2015. Collection method: clinical testing. Allele origin: unknown.

Literature cited by the submitters: PubMed 20705278 (cited by Labcorp Genetics (formerly Invitae), Labcorp); PubMed 20705279 (cited by Labcorp Genetics (formerly Invitae), Labcorp); PubMed 24651477 (cited by Labcorp Genetics (formerly Invitae), Labcorp).

NM_001201543.2(FAM161A):c.1702_1703del (p.Ser568fs)

Gene: FAM161A (FAM161 centrosomal protein A; minus strand). Cytogenetic location: 2p15.
Variant type: Deletion.
Coding change: c.1702_1703del on transcript NM_001201543.2 (MANE Select); coding-DNA positions 1702 to 1703, 2 bases deleted (TC; older notation c.1702_1703delTC).
Protein change: p.Ser568fs; shifts the reading frame from serine 568.
Molecular consequence: frameshift variant. On other transcripts: intron variant (1).
Genome position (GRCh38, 1-based): chr2:61,838,586-61,838,587, GA deleted on the plus strand (TC on the coding strand, the reverse complement: FAM161A is on the minus strand); deleting any 2 consecutive bases within chr2:61,838,586-61,838,588 gives the same sequence; the c. name uses the placement nearest the transcript's 3' end. VCF-style (leftmost placement, unchanged base first): chr2-61838585-TGA-T. GRCh37 (hg19) VCF-style: chr2-62065720-TGA-T.
Other names: c.1702_1703delTC (NM_001201543.2, NM_001201543.1); c.1583+834_1583+835del (NM_032180.3); short protein forms S568fs.
Identifiers: ClinVar variation 952865 (VCV000952865.12), dbSNP rs928348793, ClinGen allele CA48476598.
Genomic context (GRCh38, chr2:61,838,585, plus strand): 5'-TTTTTCATGATACCTGAGACATTTTACTCTGGATTTAGATATTTGAGCTAAACTTTGATG[TGA>T]GTCATAAGCCTTAGCCCGGGTTGTCAGGAGTTTCTGCAATTCTTTCATTCTTTGCTTCTG-3'